The following is an entry in ClinVar:

ClinVar aggregate classification (germline): Benign (0 of 4 stars; one submission).

Conditions:
CPZ-related disorder. Also called: CPZ-related condition.

Allele frequency attached by ClinVar (database versions not stated): 1000 Genomes Project 30x 0.15990; 1000 Genomes Project 0.16114; TOPMed 0.18678; ESP Exome Variant Server 0.18709; gnomAD 0.19851; ExAC 0.26394.
gnomAD v4.1: 386,906 of 1,607,018 alleles (24%); highest among the groups gnomAD compares: East Asian, 27%; 49,649 homozygotes.

Submission:

PreventionGenetics, part of Exact Sciences
Classification: Benign for CPZ-related condition. Last evaluated: 2019-10-31. Review status: no assertion criteria provided. Collection method: clinical testing. Allele origin: germline.
Comment: This variant is classified as benign based on ACMG/AMP sequence variant interpretation guidelines (Richards et al. 2015 PMID: 25741868, with internal and published modifications).

NM_001014447.3(CPZ):c.612C>T (p.Cys204=)

Gene: CPZ (carboxypeptidase Z; plus strand). Cytogenetic location: 4p16.1.
Variant type: single nucleotide variant.
Coding change: c.612C>T on transcript NM_001014447.3 (MANE Select); coding-DNA position 612, C replaced by T.
Protein change: p.Cys204=; no amino-acid change (cysteine 204 retained).
Molecular consequence: synonymous variant.
Genome position (GRCh38, 1-based): chr4:8,604,091, C>T. VCF-style: chr4-8604091-C-T. GRCh37 (hg19) VCF-style: chr4-8605818-C-T.
Other names: c.201C>T, p.Cys67= (NM_001014448.3); c.579C>T, p.Cys193= (NM_003652.4).
Identifiers: ClinVar variation 3059828 (VCV003059828.2), dbSNP rs6852001, ClinGen allele CA2853248.